The following is an entry in ClinVar:

ClinVar aggregate classification (germline): Uncertain significance (1 of 4 stars; one submission).

Allele frequency attached by ClinVar (database versions not stated): gnomAD exomes below 0.00001; ExAC 0.00001; TOPMed 0.00001.
gnomAD v4.1: 2 of 1,607,482 alleles (0.00012%); highest among the groups gnomAD compares: Admixed American, 0.0033%; 1 homozygote.

Submission:

GeneDx
Classification: Uncertain significance. Last evaluated: 2022-05-05. Review status: criteria provided, single submitter. Criteria: GeneDx Variant Classification Process June 2021. Collection method: clinical testing. Allele origin: germline. Affected: yes.
Comment: Not observed at significant frequency in large population cohorts (gnomAD); In silico analysis supports that this missense variant does not alter protein structure/function; Has not been previously published as pathogenic or benign to our knowledge

NM_001142800.2(EYS):c.1219A>G (p.Lys407Glu)

Gene: EYS (eyes shut homolog; minus strand). Cytogenetic location: 6q12.
Variant type: single nucleotide variant.
Coding change: c.1219A>G on transcript NM_001142800.2 (MANE Select); coding-DNA position 1219, A replaced by G.
Protein change: p.Lys407Glu; replaces lysine 407 with glutamic acid.
Molecular consequence: missense variant.
Genome position (GRCh38, 1-based): chr6:65,384,466, T>C on the plus strand (A>G on the coding strand, the complement: EYS is on the minus strand). VCF-style: chr6-65384466-T-C. GRCh37 (hg19) VCF-style: chr6-66094359-T-C.
Other names: c.1219A>G, p.Lys407Glu (NM_001142801.2, NM_001292009.2, NM_198283.2); short protein forms K407E.
Identifiers: ClinVar variation 1722882 (VCV001722882.2), dbSNP rs754797500, ClinGen allele CA3877817.